The following is an entry in ClinVar:

NM_172240.3(POC1B):c.433C>T (p.His145Tyr)

Genes: POC1B (POC1 centriolar protein B; minus strand), POC1B-DUSP6 (POC1B-DUSP6 readthrough; minus strand). Cytogenetic location: 12q21.33.
Variant type: single nucleotide variant.
Coding change: c.433C>T on transcript NM_172240.3 (MANE Select); coding-DNA position 433, C replaced by T.
Protein change: p.His145Tyr; replaces histidine 145 with tyrosine.
Molecular consequence: missense variant. On other transcripts: non-coding transcript variant (2).
Genome position (GRCh38, 1-based): chr12:89,491,955, G>A on the plus strand (C>T on the coding strand, the complement: POC1B is on the minus strand). VCF-style: chr12-89491955-G-A. GRCh37 (hg19) VCF-style: chr12-89885732-G-A.
Other names: c.307C>T, p.His103Tyr (NM_001199777.2); short protein forms H103Y, H145Y.
Identifiers: ClinVar variation 946972 (VCV000946972.8), dbSNP rs1051765356, ClinGen allele CA241172280.
Genomic context (GRCh38, chr12:89,491,955, plus strand): 5'-AAAATATGTGGACATCTTAATATGAAATTTTTTGCACTTACTTGGCACAGCGTACCCAGT[G>A]TGTATGTCGATACAAGGAATACAGGAAGCGCTGGCGATACATGCTCCATACTTTTATGGA-3'
Protein context (NP_758440.1, residues 135-155): RFLYSLYRHT[His145Tyr]WVRCAKFSPD

ClinVar aggregate classification (germline): Uncertain significance. Review status: criteria provided, multiple submitters, no conflicts (2 of 4 stars). 2 submissions from 2 submitters: Uncertain significance (2). Last evaluated 2024-02-01.

Conditions:
Cone-rod dystrophy 20 (CORD20). Identifiers: Orphanet 1872, MedGen C4014856, MONDO:0014427, OMIM 615973.

Allele frequency attached by ClinVar (database versions not stated): gnomAD 0.00002; TOPMed 0.00005.

Submissions (2):

Fulgent Genetics
Classification: Uncertain significance for Cone-rod dystrophy 20. Last evaluated: 2024-02-01. Review status: criteria provided, single submitter. Criteria: ACMG Guidelines, 2015. Collection method: clinical testing. Allele origin: germline.

Labcorp Genetics (formerly Invitae), Labcorp
Classification: Uncertain significance. Last evaluated: 2023-05-08. Review status: criteria provided, single submitter. Criteria: Invitae Variant Classification Sherloc (09022015). Collection method: clinical testing. Allele origin: germline.
Comment: In summary, the available evidence is currently insufficient to determine the role of this variant in disease. Therefore, it has been classified as a Variant of Uncertain Significance. Advanced modeling of protein sequence and biophysical properties (such as structural, functional, and spatial information, amino acid conservation, physicochemical variation, residue mobility, and thermodynamic stability) performed at Invitae indicates that this missense variant is not expected to disrupt POC1B protein function. ClinVar contains an entry for this variant (Variation ID: 946972). This variant has not been reported in the literature in individuals affected with POC1B-related conditions. This variant is not present in population databases (gnomAD no frequency). This sequence change replaces histidine, which is basic and polar, with tyrosine, which is neutral and polar, at codon 145 of the POC1B protein (p.His145Tyr).